The following is an entry in ClinVar:

ClinVar aggregate classification (germline): Uncertain significance. Review status: criteria provided, multiple submitters, no conflicts (2 of 4 stars). 2 submissions from 2 submitters: Uncertain significance (2). Last evaluated 2025-01-29.

Allele frequency attached by ClinVar (database versions not stated): TOPMed below 0.00001; gnomAD 0.00001; gnomAD exomes 0.00001.
gnomAD v4.1: 23 of 1,612,494 alleles (0.0014%); highest among the groups gnomAD compares: Middle Eastern, 0.016%; no homozygotes.

Submissions (2):

Ambry Genetics
Classification: Uncertain significance. Last evaluated: 2025-01-29. Review status: criteria provided, single submitter. Criteria: Ambry Variant Classification Scheme 2023. Collection method: clinical testing. Allele origin: germline.

Labcorp Genetics (formerly Invitae), Labcorp
Classification: Uncertain significance. Last evaluated: 2023-11-28. Review status: criteria provided, single submitter. Criteria: Invitae Variant Classification Sherloc (09022015). Collection method: clinical testing. Allele origin: germline.
Comment: This sequence change replaces arginine, which is basic and polar, with glutamine, which is neutral and polar, at codon 1417 of the ATRN protein (p.Arg1417Gln). The frequency data for this variant in the population databases is considered unreliable, as metrics indicate poor data quality at this position in the gnomAD database. This variant has not been reported in the literature in individuals affected with ATRN-related conditions. An algorithm developed to predict the effect of missense changes on protein structure and function (PolyPhen-2) suggests that this variant is likely to be disruptive. In summary, the available evidence is currently insufficient to determine the role of this variant in disease. Therefore, it has been classified as a Variant of Uncertain Significance.

NM_139321.3(ATRN):c.4250G>A (p.Arg1417Gln)

Gene: ATRN (attractin; plus strand). Cytogenetic location: 20p13.
Variant type: single nucleotide variant.
Coding change: c.4250G>A on transcript NM_139321.3 (MANE Select); coding-DNA position 4250, G replaced by A.
Protein change: p.Arg1417Gln; replaces arginine 1417 with glutamine.
Molecular consequence: missense variant.
Genome position (GRCh38, 1-based): chr20:3,646,807, G>A. VCF-style: chr20-3646807-G-A. GRCh37 (hg19) VCF-style: chr20-3627454-G-A.
Other names: c.4250G>A (NM_139321.2); short protein forms R1417Q.
Identifiers: ClinVar variation 2957707 (VCV002957707.4), dbSNP rs868234035, ClinGen allele CA310982610.